The following is an entry in ClinVar:

ClinVar aggregate classification (germline): Uncertain significance (1 of 4 stars; one submission).

Conditions:
Bardet-Biedl syndrome 16 (BBS16). Identifiers: Orphanet 110, MedGen C3889474, MONDO:0014444, OMIM 615993.
Senior-Loken syndrome 7 (SLSN7). Identifiers: Orphanet 3156, MedGen C3150877, MONDO:0013326, OMIM 613615.

Allele frequency attached by ClinVar (database versions not stated): gnomAD 0.00001.
gnomAD v4.1: 21 of 1,613,234 alleles (0.0013%); highest among the groups gnomAD compares: East Asian, 0.031%; 1 homozygote.

Submission:

Labcorp Genetics (formerly Invitae), Labcorp
Classification: Uncertain significance for Bardet-Biedl syndrome 16; Senior-Loken syndrome 7. Last evaluated: 2023-07-13. Review status: criteria provided, single submitter. Criteria: Invitae Variant Classification Sherloc (09022015). Collection method: clinical testing. Allele origin: germline.
Comment: This variant has not been reported in the literature in individuals affected with SDCCAG8-related conditions. This sequence change falls in intron 16 of the SDCCAG8 gene. It does not directly change the encoded amino acid sequence of the SDCCAG8 protein. It affects a nucleotide within the consensus splice site. This variant is present in population databases (rs757455834, gnomAD 0.003%). ClinVar contains an entry for this variant (Variation ID: 1400165). Variants that disrupt the consensus splice site are a relatively common cause of aberrant splicing (PMID: 17576681, 9536098). Algorithms developed to predict the effect of sequence changes on RNA splicing suggest that this variant is not likely to affect RNA splicing. In summary, the available evidence is currently insufficient to determine the role of this variant in disease. Therefore, it has been classified as a Variant of Uncertain Significance.

Literature cited by the submitters: PubMed 17576681; PubMed 9536098.

NM_006642.5(SDCCAG8):c.1986-3C>T

Genes: AKT3 (AKT serine/threonine kinase 3; minus strand), SDCCAG8 (SHH signaling and ciliogenesis regulator SDCCAG8; plus strand). Cytogenetic location: 1q43.
Variant type: single nucleotide variant.
Coding change: c.1986-3C>T on transcript NM_006642.5 (MANE Select); 3 bases into the intron before coding-DNA position 1986, C replaced by T.
Molecular consequence: intron variant.
Genome position (GRCh38, 1-based): chr1:243,489,011, C>T. VCF-style: chr1-243489011-C-T. GRCh37 (hg19) VCF-style: chr1-243652313-C-T.
Other names: c.1692-3C>T (NM_001350249.2); c.1083-3C>T (NM_001350251.2, NM_001350246.2, NM_001350247.2); c.2082-3C>T (NM_001350248.2); c.*7-561G>A (NM_181690.2).
Identifiers: ClinVar variation 1400165 (VCV001400165.7), dbSNP rs757455834, ClinGen allele CA1483814.